The following is an entry in ClinVar:

NM_001330700.2(TOP2B):c.1543C>T (p.Arg515Trp)

Gene: TOP2B (DNA topoisomerase II beta; minus strand). Cytogenetic location: 3p24.2.
Variant type: single nucleotide variant.
Coding change: c.1543C>T on transcript NM_001330700.2 (MANE Select); coding-DNA position 1543, C replaced by T.
Protein change: p.Arg515Trp; replaces arginine 515 with tryptophan.
Molecular consequence: missense variant.
Genome position (GRCh38, 1-based): chr3:25,630,332, G>A on the plus strand (C>T on the coding strand, the complement: TOP2B is on the minus strand). VCF-style: chr3-25630332-G-A. GRCh37 (hg19) VCF-style: chr3-25671823-G-A.
Other names: c.1528C>T, p.Arg510Trp (NM_001068.3); short protein forms R510W, R515W.
Identifiers: ClinVar variation 1698577 (VCV001698577.3), dbSNP rs2125377756, ClinGen allele CA351909175.

ClinVar aggregate classification (germline): Uncertain significance. Review status: criteria provided, multiple submitters, no conflicts (2 of 4 stars). 3 submissions from 3 submitters: Uncertain significance (3). Last evaluated 2025-06-22.

Submissions (3):

Labcorp Genetics (formerly Invitae), Labcorp
Classification: Uncertain significance. Last evaluated: 2025-06-22. Review status: criteria provided, single submitter. Criteria: Invitae Variant Classification Sherloc (09022015). Collection method: clinical testing. Allele origin: germline.
Comment: This sequence change replaces arginine, which is basic and polar, with tryptophan, which is neutral and slightly polar, at codon 510 of the TOP2B protein (p.Arg510Trp). This variant is not present in population databases (gnomAD no frequency). This variant has not been reported in the literature in individuals affected with TOP2B-related conditions. ClinVar contains an entry for this variant (Variation ID: 1698577). An algorithm developed to predict the effect of missense changes on protein structure and function (PolyPhen-2) suggests that this variant is likely to be disruptive. In summary, the available evidence is currently insufficient to determine the role of this variant in disease. Therefore, it has been classified as a Variant of Uncertain Significance.

GeneDx
Classification: Uncertain significance. Last evaluated: 2025-03-05. Review status: criteria provided, single submitter. Criteria: GeneDx Variant Classification Process June 2021. Collection method: clinical testing. Allele origin: germline. Affected: yes.
Comment: Not observed at significant frequency in large population cohorts (gnomAD); In silico analysis supports that this missense variant has a deleterious effect on protein structure/function; Has not been previously published as pathogenic or benign to our knowledge

Women's Health and Genetics/Laboratory Corporation of America, LabCorp
Classification: Uncertain significance. Last evaluated: 2022-06-16. Review status: criteria provided, single submitter. Criteria: LabCorp Variant Classification Summary - May 2015. Collection method: clinical testing. Allele origin: germline.
Comment: Variant summary: TOP2B c.1528C>T (p.Arg510Trp) results in a non-conservative amino acid change located in the TOPRIM domain (IPR006171) of the encoded protein sequence. Four of five in-silico tools predict a damaging effect of the variant on protein function. The variant was absent in 157588 control chromosomes (gnomAD). The available data on variant occurrences in the general population are insufficient to allow any conclusion about variant significance. To our knowledge, no occurrence of c.1528C>T in individuals affected with TOP2B-Related Disorders and no experimental evidence demonstrating its impact on protein function have been reported. A different missense variant affecting the same residue was reported to result in a slightly reduced enzyme activity (PMID 10684600), supporting a functional role of this amino acid. No clinical diagnostic laboratories have submitted clinical-significance assessments for this variant to ClinVar after 2014. Based on the evidence outlined above, the variant was classified as uncertain significance.